The following is an entry in ClinVar:

ClinVar aggregate classification (germline): Conflicting classifications of pathogenicity. Review status: criteria provided, conflicting classifications (1 of 4 stars). 3 submissions from 3 submitters: Likely pathogenic (1); Uncertain significance (2). Last evaluated 2023-12-11.

Conditions:
RYR1-related disorder. Also called: RYR1-related condition; RYR1-related disorders. Identifiers: MedGen CN239331.

gnomAD v4.1: 1 of 1,600,826 alleles (0.000062%); no homozygotes.

Submissions (3):

GeneDx
Classification: Uncertain significance. Last evaluated: 2023-12-11. Review status: criteria provided, single submitter. Criteria: GeneDx Variant Classification Process June 2021. Collection method: clinical testing. Allele origin: germline. Affected: yes.
Comment: Not observed at significant frequency in large population cohorts (gnomAD); In silico analysis supports that this missense variant has a deleterious effect on protein structure/function; Has not been previously published as pathogenic or benign to our knowledge

Revvity Omics, Revvity
Classification: Uncertain significance. Last evaluated: 2023-10-25. Review status: criteria provided, single submitter. Criteria: ACMG Guidelines, 2015. Collection method: clinical testing. Allele origin: germline.

Labcorp Genetics (formerly Invitae), Labcorp
Classification: Likely pathogenic for RYR1-related disorder. Last evaluated: 2023-07-19. Review status: criteria provided, single submitter. Criteria: Invitae Variant Classification Sherloc (09022015). Collection method: clinical testing. Allele origin: germline.
Comment: In summary, the currently available evidence indicates that the variant is pathogenic, but additional data are needed to prove that conclusively. Therefore, this variant has been classified as Likely Pathogenic. This variant disrupts the p.Pro3410 amino acid residue in RYR1. Other variant(s) that disrupt this residue have been determined to be pathogenic (PMID: 20681998, 32403337). This suggests that this residue is clinically significant, and that variants that disrupt this residue are likely to be disease-causing. Advanced modeling of protein sequence and biophysical properties (such as structural, functional, and spatial information, amino acid conservation, physicochemical variation, residue mobility, and thermodynamic stability) performed at Invitae indicates that this missense variant is expected to disrupt RYR1 protein function. This variant has not been reported in the literature in individuals affected with RYR1-related conditions. This variant is not present in population databases (gnomAD no frequency). This sequence change replaces proline, which is neutral and non-polar, with arginine, which is basic and polar, at codon 3410 of the RYR1 protein (p.Pro3410Arg).

Literature cited by the submitters: PubMed 20681998 (cited by Labcorp Genetics (formerly Invitae), Labcorp); PubMed 32403337 (cited by Labcorp Genetics (formerly Invitae), Labcorp).

NM_000540.3(RYR1):c.10229C>G (p.Pro3410Arg)

Gene: RYR1 (ryanodine receptor 1; plus strand). Cytogenetic location: 19q13.2.
Variant type: single nucleotide variant.
Coding change: c.10229C>G on transcript NM_000540.3 (MANE Select); coding-DNA position 10229, C replaced by G.
Protein change: p.Pro3410Arg; replaces proline 3410 with arginine.
Molecular consequence: missense variant.
Genome position (GRCh38, 1-based): chr19:38,519,424, C>G. VCF-style: chr19-38519424-C-G. GRCh37 (hg19) VCF-style: chr19-39010064-C-G.
Other names: c.10229C>G, p.Pro3410Arg (NM_001042723.2); short protein forms P3410R.
Identifiers: ClinVar variation 2994339 (VCV002994339.5), dbSNP rs769196275, ClinGen allele CA405696627.